The following is an entry in ClinVar:

NM_016213.5(TRIP4):c.265A>T (p.Lys89Ter)

Gene: TRIP4 (thyroid hormone receptor interactor 4; plus strand). Cytogenetic location: 15q22.31.
Variant type: single nucleotide variant.
Coding change: c.265A>T on transcript NM_016213.5 (MANE Select); coding-DNA position 265, A replaced by T.
Protein change: p.Lys89Ter; replaces lysine 89 with a stop codon.
Molecular consequence: nonsense. On other transcripts: 5 prime UTR variant (1), non-coding transcript variant (1).
Genome position (GRCh38, 1-based): chr15:64,394,109, A>T. VCF-style: chr15-64394109-A-T. GRCh37 (hg19) VCF-style: chr15-64686308-A-T.
Other names: p.Lys89Ter; c.-426A>T (NM_001321924.2); short protein forms K89*.
Identifiers: ClinVar variation 1801722 (VCV001801722.3), dbSNP rs2505403454, ClinGen allele CA393194683.
Genomic context (GRCh38, chr15:64,394,109, plus strand): 5'-ACCAAATGGCAAAAGAATGATCAGGAGTTGATTTCGGATCCTTTGCAGCAGTGCTTCAAA[A>T]AAGATGGTAAGTTAATGTAATTATGCAAATGTTGAAATATTGGTAAGTGGGCAGGCTTAA-3'

ClinVar aggregate classification (germline): Pathogenic (1 of 4 stars; one submission).

Conditions:
Spinal muscular atrophy with congenital bone fractures 1 (SMABF1). Also called: SMA1 with congenital bone fractures. Identifiers: MedGen C4225177, MONDO:0014806, OMIM 616866.

Submission:

Foundation for Research in Genetics and Endocrinology, FRIGE's Institute of Human Genetics
Classification: Pathogenic for Spinal muscular atrophy with congenital bone fractures 1. Last evaluated: 2022-11-17. Review status: criteria provided, single submitter. Criteria: ACMG Guidelines, 2015. Collection method: clinical testing. Allele origin: germline. Inheritance: Autosomal recessive inheritance. Affected: yes. Observed: 1 homozygote.
Comment: A homozygous nonsense variation in exon 2 of the TRIP4 gene that results in a stop codon and premature truncation of the protein at codon 89 was detected. The p.Lys89Ter variant has not been reported in 1000 genomes, gnomAD and in our internal databases. The in silico predictions of the variant is damaging by MutationTaster2. The reference codon is conserved across species. The reference codon is conserved across species. In summary, the variant meets our criteria to be classified as pathogenic.